The following is an entry in ClinVar:

NM_000057.4(BLM):c.1889C>G (p.Ser630Ter)

Gene: BLM (BLM RecQ like helicase; plus strand). Cytogenetic location: 15q26.1.
Variant type: single nucleotide variant.
Coding change: c.1889C>G on transcript NM_000057.4 (MANE Select); coding-DNA position 1889, C replaced by G.
Protein change: p.Ser630Ter; replaces serine 630 with a stop codon.
Molecular consequence: nonsense.
Genome position (GRCh38, 1-based): chr15:90,762,972, C>G. VCF-style: chr15-90762972-C-G. GRCh37 (hg19) VCF-style: chr15-91306202-C-G.
Other names: c.1889C>G, p.Ser630Ter (NM_001287246.2, NM_001287247.2); c.764C>G, p.Ser255Ter (NM_001287248.2); short protein forms S255*, S630*.
Identifiers: ClinVar variation 1073866 (VCV001073866.8), dbSNP rs2151160492, ClinGen allele CA393844076.

ClinVar aggregate classification (germline): Pathogenic/Likely pathogenic. Review status: criteria provided, multiple submitters, no conflicts (2 of 4 stars). 2 submissions from 2 submitters: Pathogenic (1); Likely pathogenic (1). Last evaluated 2024-03-04.

Conditions:
Bloom syndrome (BLM). Also called: Bloom-Torre-Machacek syndrome. Identifiers: Orphanet 125, MedGen C0005859, MONDO:0008876, OMIM 210900.

Submissions (2):

Baylor Genetics
Classification: Likely pathogenic for Bloom syndrome. Last evaluated: 2024-03-04. Review status: criteria provided, single submitter. Criteria: ACMG Guidelines, 2015. Collection method: clinical testing. Allele origin: unknown.

Labcorp Genetics (formerly Invitae), Labcorp
Classification: Pathogenic for Bloom syndrome. Last evaluated: 2021-12-01. Review status: criteria provided, single submitter. Criteria: Invitae Variant Classification Sherloc (09022015). Collection method: clinical testing. Allele origin: germline.
Comment: For these reasons, this variant has been classified as Pathogenic. ClinVar contains an entry for this variant (Variation ID: 1073866). This variant has not been reported in the literature in individuals affected with BLM-related conditions. This variant is not present in population databases (gnomAD no frequency). This sequence change creates a premature translational stop signal (p.Ser630*) in the BLM gene. It is expected to result in an absent or disrupted protein product. Loss-of-function variants in BLM are known to be pathogenic (PMID: 17407155).

Literature cited by the submitters: PubMed 17407155 (cited by Labcorp Genetics (formerly Invitae), Labcorp).